The following is an entry in ClinVar:

NM_016604.4(KDM3B):c.1437A>G (p.Ser479=)

Gene: KDM3B (lysine demethylase 3B; plus strand). Cytogenetic location: 5q31.2.
Variant type: single nucleotide variant.
Coding change: c.1437A>G on transcript NM_016604.4 (MANE Select); coding-DNA position 1437, A replaced by G.
Protein change: p.Ser479=; no amino-acid change (serine 479 retained).
Molecular consequence: synonymous variant.
Genome position (GRCh38, 1-based): chr5:138,391,069, A>G. VCF-style: chr5-138391069-A-G. GRCh37 (hg19) VCF-style: chr5-137726758-A-G.
Other names: c.1437A>G (NM_016604.3).
Identifiers: ClinVar variation 2655716 (VCV002655716.25), dbSNP rs145200810, ClinGen allele CA3428911.

ClinVar aggregate classification (germline): Likely benign. Review status: criteria provided, single submitter (1 of 4 stars). 2 submissions from 2 submitters: Likely benign (1). 1 of the submissions does not count toward it. Last evaluated 2024-06-01.

Conditions:
KDM3B-related disorder. Also called: KDM3B-related condition.

Allele frequency attached by ClinVar (database versions not stated): ExAC 0.00008; gnomAD 0.00011; TOPMed 0.00012; 1000 Genomes Project 0.00020; gnomAD exomes 0.00022; ESP Exome Variant Server 0.00023; 1000 Genomes Project 30x 0.00031.
gnomAD v4.1: 324 of 1,610,028 alleles (0.02%); highest among the groups gnomAD compares: Non-Finnish European, 0.026%; no homozygotes.

Submissions (2):

CeGaT Center for Human Genetics Tuebingen
Classification: Likely benign. Last evaluated: 2024-06-01. Review status: criteria provided, single submitter. Criteria: CeGaT Center For Human Genetics Tuebingen Variant Classification Criteria Version 2. Collection method: clinical testing. Allele origin: germline. Affected: yes. Observed: 3 variant alleles.
Comment: KDM3B: BP4, BP7

PreventionGenetics, part of Exact Sciences
Classification: Likely benign for KDM3B-related condition. Last evaluated: 2022-03-16. Review status: no assertion criteria provided. Collection method: clinical testing. Allele origin: germline. Not counted in ClinVar's aggregate classification.
Comment: This variant is classified as likely benign based on ACMG/AMP sequence variant interpretation guidelines (Richards et al. 2015 PMID: 25741868, with internal and published modifications).